The following is an entry in ClinVar:

NM_000048.4(ASL):c.1279G>A (p.Val427Met)

Gene: ASL (argininosuccinate lyase; plus strand). Cytogenetic location: 7q11.21.
Variant type: single nucleotide variant.
Coding change: c.1279G>A on transcript NM_000048.4 (MANE Select); coding-DNA position 1279, G replaced by A.
Protein change: p.Val427Met; replaces valine 427 with methionine.
Molecular consequence: missense variant.
Genome position (GRCh38, 1-based): chr7:66,092,796, G>A. VCF-style: chr7-66092796-G-A. GRCh37 (hg19) VCF-style: chr7-65557783-G-A.
Other names: c.1279G>A, p.Val427Met (NM_001024943.2); c.1219G>A, p.Val407Met (NM_001024944.2); c.1201G>A, p.Val401Met (NM_001024946.2); short protein forms V427M, V401M, V407M.
Identifiers: ClinVar variation 1979625 (VCV001979625.1), dbSNP rs746642043, ClinGen allele CA4277375.

ClinVar aggregate classification (germline): Uncertain significance (1 of 4 stars; one submission).

Conditions:
Argininosuccinate lyase deficiency. Also called: Argininosuccinic aciduria; ARGININOSUCCINIC ACID LYASE DEFICIENCY; ASL DEFICIENCY. Identifiers: Orphanet 23, MedGen C0268547, MONDO:0008815, OMIM 207900, HP:0025630.

Allele frequency attached by ClinVar (database versions not stated): ExAC 0.00002.
gnomAD v4.1: 15 of 1,613,810 alleles (0.00093%); highest among the groups gnomAD compares: Admixed American, 0.0033%; no homozygotes.

Submission:

Labcorp Genetics (formerly Invitae), Labcorp
Classification: Uncertain significance for Argininosuccinate lyase deficiency. Last evaluated: 2022-07-08. Review status: criteria provided, single submitter. Criteria: Invitae Variant Classification Sherloc (09022015). Collection method: clinical testing. Allele origin: germline.
Comment: This sequence change replaces valine, which is neutral and non-polar, with methionine, which is neutral and non-polar, at codon 427 of the ASL protein (p.Val427Met). This variant is present in population databases (rs746642043, gnomAD 0.003%). This variant has not been reported in the literature in individuals affected with ASL-related conditions. Advanced modeling of protein sequence and biophysical properties (such as structural, functional, and spatial information, amino acid conservation, physicochemical variation, residue mobility, and thermodynamic stability) performed at Invitae indicates that this missense variant is expected to disrupt ASL protein function. In summary, the available evidence is currently insufficient to determine the role of this variant in disease. Therefore, it has been classified as a Variant of Uncertain Significance.